The following is an entry in ClinVar:

NM_016169.4(SUFU):c.1016G>T (p.Arg339Leu)

Gene: SUFU (SUFU negative regulator of hedgehog signaling; plus strand). Cytogenetic location: 10q24.32.
Variant type: single nucleotide variant.
Coding change: c.1016G>T on transcript NM_016169.4 (MANE Select); coding-DNA position 1016, G replaced by T.
Protein change: p.Arg339Leu; replaces arginine 339 with leucine.
Molecular consequence: missense variant.
Genome position (GRCh38, 1-based): chr10:102,599,538, G>T. VCF-style: chr10-102599538-G-T. GRCh37 (hg19) VCF-style: chr10-104359295-G-T.
Other names: c.1016G>T, p.Arg339Leu (NM_001178133.2); short protein forms R339L.
Identifiers: ClinVar variation 5030348 (VCV005030348.1).

ClinVar aggregate classification (germline): Uncertain significance (1 of 4 stars; one submission).

Conditions:
Hereditary cancer-predisposing syndrome. Also called: Neoplastic Syndromes, Hereditary; Tumor predisposition; Hereditary neoplastic syndrome; Hereditary Cancer Syndrome. Identifiers: Orphanet 140162, MedGen C0027672, MeSH D009386, MONDO:0015356.

Submission:

Ambry Genetics
Classification: Uncertain significance for Hereditary cancer-predisposing syndrome. Last evaluated: 2026-07-07. Review status: criteria provided, single submitter. Criteria: Ambry Variant Classification Scheme 2023. Collection method: clinical testing. Allele origin: germline.
Comment: The p.R339L variant (also known as c.1016G>T), located in coding exon 8 of the SUFU gene, results from a G to T substitution at nucleotide position 1016. The arginine at codon 339 is replaced by leucine, an amino acid with dissimilar properties. This amino acid position is conserved. In addition, this alteration is predicted to be deleterious by in silico analysis. Based on the available evidence, the clinical significance of this variant remains unclear.